The following is an entry in ClinVar:

NM_177550.5(SLC13A5):c.1558C>T (p.Leu520Phe)

Gene: SLC13A5 (solute carrier family 13 member 5; minus strand). Cytogenetic location: 17p13.1.
Variant type: single nucleotide variant.
Coding change: c.1558C>T on transcript NM_177550.5 (MANE Select); coding-DNA position 1558, C replaced by T.
Protein change: p.Leu520Phe; replaces leucine 520 with phenylalanine.
Molecular consequence: missense variant. On other transcripts: intron variant (1).
Genome position (GRCh38, 1-based): chr17:6,687,546, G>A on the plus strand (C>T on the coding strand, the complement: SLC13A5 is on the minus strand). VCF-style: chr17-6687546-G-A. GRCh37 (hg19) VCF-style: chr17-6590865-G-A.
Other names: c.1507C>T, p.Leu503Phe (NM_001284509.2); c.1429C>T, p.Leu477Phe (NM_001284510.2); c.1438-1208C>T (NM_001143838.3); short protein forms L520F, L503F, L477F.
Identifiers: ClinVar variation 1355155 (VCV001355155.8), dbSNP rs779246920, ClinGen allele CA8331344.

ClinVar aggregate classification (germline): Uncertain significance (1 of 4 stars; one submission).

Conditions:
Developmental and epileptic encephalopathy, 25 (DEE25). Also called: Epileptic encephalopathy, early infantile, 25; Developmental and epileptic encephalopathy 25, with amelogenesis imperfecta; Epileptic encephalopathy, early infantile, 25, with amelogenesis imperfecta. Identifiers: Orphanet 442835, MedGen C4014621, MONDO:0014392, OMIM 615905.

Allele frequency attached by ClinVar (database versions not stated): gnomAD exomes below 0.00001; ExAC 0.00001.

Submission:

Labcorp Genetics (formerly Invitae), Labcorp
Classification: Uncertain significance for Developmental and epileptic encephalopathy, 25. Last evaluated: 2026-02-02. Review status: criteria provided, single submitter. Criteria: Invitae Variant Classification Sherloc (09022015). Collection method: clinical testing. Allele origin: germline.
Comment: This sequence change replaces leucine, which is neutral and non-polar, with phenylalanine, which is neutral and non-polar, at codon 520 of the SLC13A5 protein (p.Leu520Phe). This variant is present in population databases (rs779246920, gnomAD 0.003%). This variant has not been reported in the literature in individuals affected with SLC13A5-related conditions. ClinVar contains an entry for this variant (Variation ID: 1355155). Invitae Evidence Modeling of protein sequence and biophysical properties (such as structural, functional, and spatial information, amino acid conservation, physicochemical variation, residue mobility, and thermodynamic stability) indicates that this missense variant is not expected to disrupt SLC13A5 protein function with a negative predictive value of 80%. In summary, the available evidence is currently insufficient to determine the role of this variant in disease. Therefore, it has been classified as a Variant of Uncertain Significance.